The following is an entry in ClinVar:

ClinVar aggregate classification (germline): Uncertain significance (1 of 4 stars; one submission).

Conditions:
Inborn genetic diseases. Identifiers: MedGen C0950123, MeSH D030342.

Submission:

Ambry Genetics
Classification: Uncertain significance for Inborn genetic diseases. Last evaluated: 2026-08-31. Review status: criteria provided, single submitter. Criteria: Ambry Variant Classification Scheme 2023. Collection method: clinical testing. Allele origin: germline.
Comment: The p.Q237E variant (also known as c.709C>G), located in coding exon 5 of the ELANE gene, results from a C to G substitution at nucleotide position 709. The glutamine at codon 237 is replaced by glutamic acid, an amino acid with highly similar properties. This amino acid position is conserved. In addition, this alteration is predicted to be tolerated by in silico analysis. Based on the available evidence, the clinical significance of this variant remains unclear.

NM_001972.4(ELANE):c.709C>G (p.Gln237Glu)

Gene: ELANE (elastase, neutrophil expressed; plus strand). Cytogenetic location: 19p13.3.
Variant type: single nucleotide variant.
Coding change: c.709C>G on transcript NM_001972.4 (MANE Select); coding-DNA position 709, C replaced by G.
Protein change: p.Gln237Glu; replaces glutamine 237 with glutamic acid.
Molecular consequence: missense variant.
Genome position (GRCh38, 1-based): chr19:856,069, C>G. VCF-style: chr19-856069-C-G. GRCh37 (hg19) VCF-style: chr19-856069-C-G.
Other names: short protein forms Q237E.
Identifiers: ClinVar variation 5035907 (VCV005035907.1).
Genomic context (GRCh38, chr19:856,069, plus strand): 5'-TCCTTCGTCCGGGGAGGCTGCGCCTCAGGGCTCTACCCCGATGCCTTTGCCCCGGTGGCA[C>G]AGTTTGTAAACTGGATCGACTCTATCATCCAACGCTCCGAGGACAACCCCTGTCCCCACC-3'
Protein context (NP_001963.1, residues 227-247): LYPDAFAPVA[Gln237Glu]FVNWIDSIIQ